The following is an entry in ClinVar:

ClinVar aggregate classification (germline): Likely benign (1 of 4 stars; one submission).

Allele frequency attached by ClinVar (database versions not stated): 1000 Genomes Project 30x 0.00031; 1000 Genomes Project 0.00040; ExAC 0.00159.

Submission:

CeGaT Center for Human Genetics Tuebingen
Classification: Likely benign. Last evaluated: 2022-11-01. Review status: criteria provided, single submitter. Criteria: CeGaT Center For Human Genetics Tuebingen Variant Classification Criteria Version 2. Collection method: clinical testing. Allele origin: germline. Affected: yes. Observed: 1 variant allele.
Comment: SLC71A3P: BP4, BP7

NM_032318.1(MFSD14C):c.138C>T (p.Pro46=)

Gene: MFSD14C (major facilitator superfamily domain containing 14C; minus strand). Cytogenetic location: 9q22.33.
Variant type: single nucleotide variant.
Coding change: c.138C>T on transcript NM_032318.1; coding-DNA position 138, C replaced by T.
Protein change: p.Pro46=; no amino-acid change (proline 46 retained).
Molecular consequence: synonymous variant. On other transcripts: non-coding transcript variant (3).
Genome position (GRCh38, 1-based): chr9:96,949,617, G>A on the plus strand (C>T on the coding strand, the complement: MFSD14C is on the minus strand). VCF-style: chr9-96949617-G-A. GRCh37 (hg19) VCF-style: chr9-99711899-G-A.
Identifiers: ClinVar variation 2659327 (VCV002659327.23), dbSNP rs201249044, ClinGen allele CA5143883.